The following is an entry in ClinVar:

ClinVar aggregate classification (germline): Uncertain significance. Review status: criteria provided, multiple submitters, no conflicts (2 of 4 stars). 2 submissions from 2 submitters: Uncertain significance (2). Last evaluated 2024-03-25.

Allele frequency attached by ClinVar (database versions not stated): gnomAD exomes 0.00001 and 0.00005; TOPMed 0.00002; gnomAD 0.00003; 1000 Genomes Project 30x 0.00016.
gnomAD v4.1: 15 of 1,483,786 alleles (0.001%); highest among the groups gnomAD compares: South Asian, 0.0038%; no homozygotes.

Submissions (2):

Ambry Genetics
Classification: Uncertain significance. Last evaluated: 2024-03-25. Review status: criteria provided, single submitter. Criteria: Ambry Variant Classification Scheme 2023. Collection method: clinical testing. Allele origin: germline.

Labcorp Genetics (formerly Invitae), Labcorp
Classification: Uncertain significance. Last evaluated: 2022-10-24. Review status: criteria provided, single submitter. Criteria: Invitae Variant Classification Sherloc (09022015). Collection method: clinical testing. Allele origin: germline.
Comment: Algorithms developed to predict the effect of sequence changes on RNA splicing suggest that this variant may create or strengthen a splice site. Algorithms developed to predict the effect of missense changes on protein structure and function are either unavailable or do not agree on the potential impact of this missense change (SIFT: "Tolerated"; PolyPhen-2: "Possibly Damaging"; Align-GVGD: "Class C0"). This variant has not been reported in the literature in individuals affected with SAMD11-related conditions. The frequency data for this variant in the population databases is considered unreliable, as metrics indicate poor data quality at this position in the gnomAD database. This sequence change replaces proline, which is neutral and non-polar, with serine, which is neutral and polar, at codon 334 of the SAMD11 protein (p.Pro334Ser). In summary, the available evidence is currently insufficient to determine the role of this variant in disease. Therefore, it has been classified as a Variant of Uncertain Significance.

NM_001385641.1(SAMD11):c.1489C>T (p.Pro497Ser)

Gene: SAMD11 (sterile alpha motif domain containing 11; plus strand). Cytogenetic location: 1p36.33.
Variant type: single nucleotide variant.
Coding change: c.1489C>T on transcript NM_001385641.1 (MANE Select); coding-DNA position 1489, C replaced by T.
Protein change: p.Pro497Ser; replaces proline 497 with serine.
Molecular consequence: missense variant.
Genome position (GRCh38, 1-based): chr1:942,424, C>T. VCF-style: chr1-942424-C-T. GRCh37 (hg19) VCF-style: chr1-877804-C-T.
Other names: c.1492C>T, p.Pro498Ser (NM_001385640.1); c.1000C>T, p.Pro334Ser (NM_152486.4); c.1000C>T (NM_152486.2); short protein forms P498S, P497S, P334S.
Identifiers: ClinVar variation 1046985 (VCV001046985.11), dbSNP rs1000750610, ClinGen allele CA16724445.
Genomic context (GRCh38, chr1:942,424, plus strand): 5'-GACCGCCTCGGACCCCCCGACCCCGCGTTGTCCCCCTCCCCACCAGGCTACGGCTTCCTG[C>T]CCCCCGCGCAGGCGGAGATGTTCGCCTGGCAGCAGGAGCTCCTGCGGAAGCAGAACCTGG-3'
Protein context (NP_001372570.1, residues 487-507): LCQTPGYGFL[Pro497Ser]PAQAEMFAWQ